The following is an entry in ClinVar:

NM_000553.6(WRN):c.3105C>G (p.Asn1035Lys)

Gene: WRN (WRN RecQ like helicase; plus strand). Cytogenetic location: 8p12.
Variant type: single nucleotide variant.
Coding change: c.3105C>G on transcript NM_000553.6 (MANE Select); coding-DNA position 3105, C replaced by G.
Protein change: p.Asn1035Lys; replaces asparagine 1035 with lysine.
Molecular consequence: missense variant.
Genome position (GRCh38, 1-based): chr8:31,141,567, C>G. VCF-style: chr8-31141567-C-G. GRCh37 (hg19) VCF-style: chr8-30999083-C-G.
Other names: short protein forms N1035K.
Identifiers: ClinVar variation 2796244 (VCV002796244.3), dbSNP rs2130415923, ClinGen allele CA370922389.

ClinVar aggregate classification (germline): Uncertain significance (1 of 4 stars; one submission).

Conditions:
Werner syndrome (WRN). Identifiers: Orphanet 902, MedGen C0043119, MONDO:0010196, OMIM 277700.

Submission:

Labcorp Genetics (formerly Invitae), Labcorp
Classification: Uncertain significance for Werner syndrome. Last evaluated: 2023-07-03. Review status: criteria provided, single submitter. Criteria: Invitae Variant Classification Sherloc (09022015). Collection method: clinical testing. Allele origin: germline.
Comment: In summary, the available evidence is currently insufficient to determine the role of this variant in disease. Therefore, it has been classified as a Variant of Uncertain Significance. Algorithms developed to predict the effect of missense changes on protein structure and function output the following: SIFT: "Not Available"; PolyPhen-2: "Benign"; Align-GVGD: "Not Available". The lysine amino acid residue is found in multiple mammalian species, which suggests that this missense change does not adversely affect protein function. This variant has not been reported in the literature in individuals affected with WRN-related conditions. This variant is not present in population databases (gnomAD no frequency). This sequence change replaces asparagine, which is neutral and polar, with lysine, which is basic and polar, at codon 1035 of the WRN protein (p.Asn1035Lys).